The following is an entry in ClinVar:

ClinVar aggregate classification (germline): Likely pathogenic (1 of 4 stars; one submission).

Conditions:
Arrhythmogenic right ventricular dysplasia 8 (ARVD8). Also called: Arrhythmogenic Right Ventricular Dysplasia/Cardiomyopathy 8; ARRHYTHMOGENIC RIGHT VENTRICULAR DYSPLASIA, FAMILIAL, 8; ARRHYTHMOGENIC RIGHT VENTRICULAR CARDIOMYOPATHY 8. Identifiers: MedGen C1843896, MONDO:0011831, OMIM 607450.

Submission:

Molecular Genetics Laboratory, Motol Hospital
Classification: Likely pathogenic for Arrhythmogenic right ventricular dysplasia 8. Last evaluated: 2026-05-29. Review status: criteria provided, single submitter. Criteria: ACMG Guidelines, 2015. Collection method: clinical testing. Allele origin: germline. Inheritance: Sporadic. Affected: yes. Observed: 1 variant allele, 1 heterozygote.
Comment: A rare variant not present in non-Finnish European population (PM2). Rare truncating variants in the DSP gene are associated with autosomal dominant DSP-related conditions, including DCM/LVNC (PVS1, PP5). The variant c.316G>T is classified as likely pathogenic.

Literature cited by the submitters: PubMed 37048743; PubMed 32372669.

NM_004415.4(DSP):c.316G>T (p.Glu106Ter)

Gene: DSP (desmoplakin; plus strand). Cytogenetic location: 6p24.3.
Variant type: single nucleotide variant.
Coding change: c.316G>T on transcript NM_004415.4 (MANE Select); coding-DNA position 316, G replaced by T.
Protein change: p.Glu106Ter; replaces glutamic acid 106 with a stop codon.
Molecular consequence: nonsense.
Genome position (GRCh38, 1-based): chr6:7,558,158, G>T. VCF-style: chr6-7558158-G-T. GRCh37 (hg19) VCF-style: chr6-7558391-G-T.
Other names: c.316G>T, p.Glu106Ter (NM_001008844.3, NM_001319034.2, NM_001406591.1); short protein forms E106*.
Identifiers: ClinVar variation 4852583 (VCV004852583.1).